The following is an entry in ClinVar:

ClinVar aggregate classification (germline): Pathogenic (1 of 4 stars; one submission).

Conditions:
Breast-ovarian cancer, familial, susceptibility to, 4. Identifiers: Orphanet 145, MedGen C3280345, MONDO:0013669, OMIM 614291.

Submission:

Labcorp Genetics (formerly Invitae), Labcorp
Classification: Pathogenic for Breast-ovarian cancer, familial, susceptibility to, 4. Last evaluated: 2022-02-18. Review status: criteria provided, single submitter. Criteria: Invitae Variant Classification Sherloc (09022015). Collection method: clinical testing. Allele origin: germline.
Comment: This sequence change creates a premature translational stop signal (p.Thr84Trpfs*6) in the RAD51D gene. It is expected to result in an absent or disrupted protein product. Loss-of-function variants in RAD51D are known to be pathogenic (PMID: 21822267). This variant is not present in population databases (gnomAD no frequency). This variant has not been reported in the literature in individuals affected with RAD51D-related conditions. For these reasons, this variant has been classified as Pathogenic.

Literature cited by the submitters: PubMed 21822267.

NM_002878.4(RAD51D):c.250_251del (p.Thr84fs)

Genes: RAD51D (RAD51 paralog D; minus strand), RAD51L3-RFFL (RAD51L3-RFFL readthrough; minus strand). Cytogenetic location: 17q12.
Variant type: Deletion.
Coding change: c.250_251del on transcript NM_002878.4 (MANE Select); coding-DNA positions 250 to 251, 2 bases deleted (AC; older notation c.250_251delAC).
Protein change: p.Thr84fs; shifts the reading frame from threonine 84.
Molecular consequence: frameshift variant. On other transcripts: intron variant (2).
Genome position (GRCh38, 1-based): chr17:35,118,513-35,118,514, GT deleted on the plus strand (AC on the coding strand, the reverse complement: RAD51D is on the minus strand); deleting any 2 consecutive bases within chr17:35,118,513-35,118,515 gives the same sequence; the c. name uses the placement nearest the transcript's 3' end. VCF-style (leftmost placement, unchanged base first): chr17-35118512-AGT-A. GRCh37 (hg19) VCF-style: chr17-33445531-AGT-A.
Other names: c.144+597_144+598del (NM_133629.3, NM_001142571.2); short protein forms T84fs.
Identifiers: ClinVar variation 2098258 (VCV002098258.4), dbSNP rs2509181292, ClinGen allele CA2580093191.